The following is an entry in ClinVar:

NM_001080442.3(SLC38A8):c.951dup (p.Arg318fs)

Gene: SLC38A8 (solute carrier family 38 member 8; minus strand). Cytogenetic location: 16q23.3.
Variant type: Duplication.
Coding change: c.951dup on transcript NM_001080442.3 (MANE Select); coding-DNA position 951, one base duplicated (G; older notation c.951dupG).
Protein change: p.Arg318fs; shifts the reading frame from arginine 318.
Molecular consequence: frameshift variant.
Genome position (GRCh38, 1-based): chr16:84,017,142, C duplicated on the plus strand (G on the coding strand, the reverse complement: SLC38A8 is on the minus strand); the first of 4 consecutive C bases (chr16:84,017,142-84,017,145); duplicating any one gives the same sequence. VCF-style (leftmost placement, unchanged base first): chr16-84017141-T-TC. GRCh37 (hg19) VCF-style: chr16-84050746-T-TC.
Other names: short protein forms R318fs.
Identifiers: ClinVar variation 2712517 (VCV002712517.3), dbSNP rs2507618267, ClinGen allele CA2697555976.

ClinVar aggregate classification (germline): Pathogenic (1 of 4 stars; one submission).

Submission:

Labcorp Genetics (formerly Invitae), Labcorp
Classification: Pathogenic. Last evaluated: 2023-06-12. Review status: criteria provided, single submitter. Criteria: Invitae Variant Classification Sherloc (09022015). Collection method: clinical testing. Allele origin: germline.
Comment: For these reasons, this variant has been classified as Pathogenic. This variant has not been reported in the literature in individuals affected with SLC38A8-related conditions. This variant is not present in population databases (gnomAD no frequency). This sequence change creates a premature translational stop signal (p.Arg318Glufs*50) in the SLC38A8 gene. It is expected to result in an absent or disrupted protein product. Loss-of-function variants in SLC38A8 are known to be pathogenic (PMID: 24290379).

Literature cited by the submitters: PubMed 24290379.